The following is an entry in ClinVar:

NM_018180.3(DHX32):c.938A>G (p.Lys313Arg)

Gene: DHX32 (DEAH-box helicase 32 (putative); minus strand). Cytogenetic location: 10q26.2.
Variant type: single nucleotide variant.
Coding change: c.938A>G on transcript NM_018180.3 (MANE Select); coding-DNA position 938, A replaced by G.
Protein change: p.Lys313Arg; replaces lysine 313 with arginine.
Molecular consequence: missense variant.
Genome position (GRCh38, 1-based): chr10:125,854,115, T>C on the plus strand (A>G on the coding strand, the complement: DHX32 is on the minus strand). VCF-style: chr10-125854115-T-C. GRCh37 (hg19) VCF-style: chr10-127542684-T-C.
Other names: c.938A>G (NM_018180.2); short protein forms K313R.
Identifiers: ClinVar variation 1521320 (VCV001521320.7), dbSNP rs1389399240, ClinGen allele CA378677039.
Genomic context (GRCh38, chr10:125,854,115, plus strand): 5'-TGATAAACTTGGCATCTTTTTTCTGTTTCATCGAGTGGCTTGAACAATGAACATTTCTCT[T>C]TTGGATACAAAGGAACAACCACCAGTTCTCCAAGATCTGGGTTTAGGTTAGATCCTTGAT-3'
Protein context (NP_060650.2, residues 303-323): GELVVVPLYP[Lys313Arg]EKCSLFKPLD

ClinVar aggregate classification (germline): Uncertain significance. Review status: criteria provided, multiple submitters, no conflicts (2 of 4 stars). 2 submissions from 2 submitters: Uncertain significance (2). Last evaluated 2025-10-03.

Allele frequency attached by ClinVar (database versions not stated): gnomAD 0.00001; gnomAD exomes 0.00002; TOPMed 0.00003.
gnomAD v4.1: 31 of 1,613,924 alleles (0.0019%); highest among the groups gnomAD compares: Middle Eastern, 0.033%; no homozygotes.

Submissions (2):

Labcorp Genetics (formerly Invitae), Labcorp
Classification: Uncertain significance. Last evaluated: 2025-10-03. Review status: criteria provided, single submitter. Criteria: Invitae Variant Classification Sherloc (09022015). Collection method: clinical testing. Allele origin: germline.
Comment: This sequence change replaces lysine, which is basic and polar, with arginine, which is basic and polar, at codon 313 of the DHX32 protein (p.Lys313Arg). This variant is present in population databases (no rsID available, gnomAD 0.003%). This variant has not been reported in the literature in individuals affected with DHX32-related conditions. ClinVar contains an entry for this variant (Variation ID: 1521320). An algorithm developed to predict the effect of missense changes on protein structure and function outputs the following: PolyPhen-2: "Benign". The arginine amino acid residue is found in multiple mammalian species, which suggests that this missense change does not adversely affect protein function. In summary, the available evidence is currently insufficient to determine the role of this variant in disease. Therefore, it has been classified as a Variant of Uncertain Significance.

Ambry Genetics
Classification: Uncertain significance. Last evaluated: 2022-11-17. Review status: criteria provided, single submitter. Criteria: Ambry Variant Classification Scheme 2023. Collection method: clinical testing. Allele origin: germline.